The following is an entry in ClinVar:

NM_001164508.2(NEB):c.9986T>A (p.Phe3329Tyr)

Gene: NEB (nebulin; minus strand). Cytogenetic location: 2q23.3.
Variant type: single nucleotide variant.
Coding change: c.9986T>A on transcript NM_001164508.2 (MANE Select); coding-DNA position 9986, T replaced by A.
Protein change: p.Phe3329Tyr; replaces phenylalanine 3329 with tyrosine.
Molecular consequence: missense variant.
Genome position (GRCh38, 1-based): chr2:151,627,680, A>T on the plus strand (T>A on the coding strand, the complement: NEB is on the minus strand). VCF-style: chr2-151627680-A-T. GRCh37 (hg19) VCF-style: chr2-152484194-A-T.
Other names: c.9986T>A, p.Phe3329Tyr (NM_001164507.2, NM_001271208.2); c.9257T>A, p.Phe3086Tyr (NM_004543.5); short protein forms F3329Y, F3086Y.
Identifiers: ClinVar variation 940598 (VCV000940598.11), dbSNP rs776107526, ClinGen allele CA1909150.

ClinVar aggregate classification (germline): Uncertain significance. Review status: criteria provided, single submitter (1 of 4 stars). 2 submissions from 2 submitters: Uncertain significance (1). 1 of the submissions does not count toward it. Last evaluated 2022-03-18.

Conditions:
Nemaline myopathy 2 (NEM2). Also called: Nemaline myopathy 2, autosomal recessive. Identifiers: MedGen C1850569, MONDO:0009725, OMIM 256030.

Allele frequency attached by ClinVar (database versions not stated): TOPMed below 0.00001; gnomAD exomes 0.00001; ExAC 0.00002.
gnomAD v4.1: 5 of 1,613,898 alleles (0.00031%); highest among the groups gnomAD compares: Non-Finnish European, 0.00034%; no homozygotes.

Submissions (2):

Labcorp Genetics (formerly Invitae), Labcorp
Classification: Uncertain significance for Nemaline myopathy 2. Last evaluated: 2022-03-18. Review status: criteria provided, single submitter. Criteria: Invitae Variant Classification Sherloc (09022015). Collection method: clinical testing. Allele origin: germline.
Comment: This sequence change replaces phenylalanine, which is neutral and non-polar, with tyrosine, which is neutral and polar, at codon 3329 of the NEB protein (p.Phe3329Tyr). This variant is present in population databases (rs776107526, gnomAD 0.003%). This variant has not been reported in the literature in individuals affected with NEB-related conditions. ClinVar contains an entry for this variant (Variation ID: 940598). Algorithms developed to predict the effect of missense changes on protein structure and function output the following: SIFT: "Tolerated"; PolyPhen-2: "Not Available"; Align-GVGD: "Class C0". The tyrosine amino acid residue is found in multiple mammalian species, which suggests that this missense change does not adversely affect protein function. In summary, the available evidence is currently insufficient to determine the role of this variant in disease. Therefore, it has been classified as a Variant of Uncertain Significance.

Natera, Inc.
Classification: Uncertain significance for Nemaline myopathy type 2. Last evaluated: 2020-09-29. Review status: no assertion criteria provided. Collection method: clinical testing. Allele origin: germline. Not counted in ClinVar's aggregate classification.